The following is an entry in ClinVar:

NM_019597.5(HNRNPH2):c.623G>T (p.Gly208Val)

Genes: HNRNPH2 (heterogeneous nuclear ribonucleoprotein H2; plus strand), RPL36A-HNRNPH2 (RPL36A-HNRNPH2 readthrough; plus strand). Cytogenetic location: Xq22.1.
Variant type: single nucleotide variant.
Coding change: c.623G>T on transcript NM_019597.5 (MANE Select); coding-DNA position 623, G replaced by T.
Protein change: p.Gly208Val; replaces glycine 208 with valine.
Molecular consequence: missense variant. On other transcripts: 3 prime UTR variant (2).
Genome position (GRCh38, 1-based): chrX:101,412,611, G>T. VCF-style: chrX-101412611-G-T. GRCh37 (hg19) VCF-style: chrX-100667599-G-T.
Other names: c.*619G>T (NM_001199973.2, NM_001199974.2); c.623G>T, p.Gly208Val (NM_001032393.3); short protein forms G208V.
Identifiers: ClinVar variation 3600632 (VCV003600632.1).

ClinVar aggregate classification (germline): Pathogenic (1 of 4 stars; one submission).

Submission:

GeneDx
Classification: Pathogenic. Last evaluated: 2024-07-25. Review status: criteria provided, single submitter. Criteria: GeneDx Variant Classification Process June 2021. Collection method: clinical testing. Allele origin: germline. Affected: yes.
Comment: Not observed at significant frequency in large population cohorts (gnomAD); In silico analysis supports that this missense variant has a deleterious effect on protein structure/function; Has not been previously published as pathogenic or benign to our knowledge